The following is an entry in ClinVar:

ClinVar aggregate classification (germline): Uncertain significance (1 of 4 stars; one submission).

Conditions:
Cutis laxa, autosomal dominant 3 (ADCL3). Identifiers: Orphanet 90348, MedGen C4225268, MONDO:0014706, OMIM 616603.
Autosomal dominant spastic paraplegia type 9. Identifiers: MedGen C1832669, MONDO:0015091.
de Barsy syndrome. Also called: Cutis laxa-corneal clouding-oligophrenia syndrome. Identifiers: Orphanet 2962, MedGen C0268354, MONDO:0017569.

Submission:

Labcorp Genetics (formerly Invitae), Labcorp
Classification: Uncertain significance for Autosomal dominant spastic paraplegia type 9; de Barsy syndrome; Cutis laxa, autosomal dominant 3. Last evaluated: 2025-10-14. Review status: criteria provided, single submitter. Criteria: Invitae Variant Classification Sherloc (09022015). Collection method: clinical testing. Allele origin: germline.
Comment: This sequence change replaces tyrosine, which is neutral and polar, with histidine, which is basic and polar, at codon 653 of the ALDH18A1 protein (p.Tyr653His). This variant is not present in population databases (gnomAD no frequency). This variant has not been reported in the literature in individuals affected with ALDH18A1-related conditions. Invitae Evidence Modeling of protein sequence and biophysical properties (such as structural, functional, and spatial information, amino acid conservation, physicochemical variation, residue mobility, and thermodynamic stability) indicates that this missense variant is not expected to disrupt ALDH18A1 protein function with a negative predictive value of 95%. In summary, the available evidence is currently insufficient to determine the role of this variant in disease. Therefore, it has been classified as a Variant of Uncertain Significance.

NM_002860.4(ALDH18A1):c.1957T>C (p.Tyr653His)

Gene: ALDH18A1 (aldehyde dehydrogenase 18 family member A1; minus strand). Cytogenetic location: 10q24.1.
Variant type: single nucleotide variant.
Coding change: c.1957T>C on transcript NM_002860.4 (MANE Select); coding-DNA position 1957, T replaced by C.
Protein change: p.Tyr653His; replaces tyrosine 653 with histidine.
Molecular consequence: missense variant.
Genome position (GRCh38, 1-based): chr10:95,611,409, A>G on the plus strand (T>C on the coding strand, the complement: ALDH18A1 is on the minus strand). VCF-style: chr10-95611409-A-G. GRCh37 (hg19) VCF-style: chr10-97371166-A-G.
Other names: c.1951T>C, p.Tyr651His (NM_001017423.2, NM_001323415.2); c.1624T>C, p.Tyr542His (NM_001323412.2, NM_001323416.2); c.1957T>C, p.Tyr653His (NM_001323413.2, NM_001323414.2); c.1852T>C, p.Tyr618His (NM_001323417.2); c.1618T>C, p.Tyr540His (NM_001323418.2); c.1321T>C, p.Tyr441His (NM_001323419.2); short protein forms Y542H, Y618H, Y441H, Y540H, Y651H, Y653H.
Identifiers: ClinVar variation 4782328 (VCV004782328.1).